The following is an entry in ClinVar:

NM_004612.4(TGFBR1):c.616G>T (p.Val206Leu)

Gene: TGFBR1 (transforming growth factor beta receptor 1; plus strand). Cytogenetic location: 9q22.33.
Variant type: single nucleotide variant.
Coding change: c.616G>T on transcript NM_004612.4 (MANE Select); coding-DNA position 616, G replaced by T.
Protein change: p.Val206Leu; replaces valine 206 with leucine.
Molecular consequence: missense variant. On other transcripts: non-coding transcript variant (4), intron variant (2).
Genome position (GRCh38, 1-based): chr9:99,137,900, G>T. VCF-style: chr9-99137900-G-T. GRCh37 (hg19) VCF-style: chr9-101900182-G-T.
Other names: c.409G>T, p.Val137Leu (NM_001407433.1, NM_001407434.1, NM_001407423.1 and 8 more transcripts); c.370G>T, p.Val124Leu (NM_001407436.1); c.139G>T, p.Val47Leu (NM_001407438.1); c.575-4636G>T (NM_001407435.1); c.98-4636G>T (NM_001407437.1); c.385G>T, p.Val129Leu (NM_001130916.3); c.628G>T, p.Val210Leu (NM_001306210.2, NM_001407416.1); c.616G>T, p.Val206Leu (NM_001407417.1); and 1 more; short protein forms V124L, V129L, V137L, V141L, V206L, V210L, V47L.
Identifiers: ClinVar variation 4757122 (VCV004757122.1).

ClinVar aggregate classification (germline): Uncertain significance (1 of 4 stars; one submission).

Conditions:
Familial thoracic aortic aneurysm and aortic dissection (TAAD). Also called: Thoracic aortic aneurysms and dissections. Identifiers: Orphanet 91387, MedGen C4707243, MONDO:0019625.

gnomAD v4.1: 1 of 1,613,998 alleles (0.000062%); highest among the groups gnomAD compares: Middle Eastern, 0.017%; no homozygotes.

Submission:

Color Diagnostics, LLC DBA Color Health
Classification: Uncertain significance for Familial thoracic aortic aneurysm and aortic dissection. Last evaluated: 2025-06-09. Review status: criteria provided, single submitter. Criteria: ACMG Guidelines, 2015. Collection method: clinical testing. Allele origin: germline.
Comment: This missense variant replaces valine with leucine at codon 206 of the TGFBR1 protein. Computational prediction suggests that this variant may not impact protein structure and function. To our knowledge, functional studies have not been reported for this variant. This variant has not been reported in individuals affected with TGFBR1-related disorders in the literature. This variant has not been identified in the general population by the Genome Aggregation Database (gnomAD). The available evidence is insufficient to determine the role of this variant in disease conclusively. Therefore, this variant is classified as a Variant of Uncertain Significance.